The following is an entry in ClinVar:

NM_138704.4(NSMCE3):c.212C>G (p.Ala71Gly)

Genes: ENTREP2 (endosomal transmembrane epsin interactor 2; minus strand), NSMCE3 (NSE3 component of SMC5/6 complex; minus strand). Cytogenetic location: 15q13.1.
Variant type: single nucleotide variant.
Coding change: c.212C>G on transcript NM_138704.4 (MANE Select); coding-DNA position 212, C replaced by G.
Protein change: p.Ala71Gly; replaces alanine 71 with glycine.
Molecular consequence: missense variant. On other transcripts: intron variant (5).
Genome position (GRCh38, 1-based): chr15:29,269,494, G>C on the plus strand (C>G on the coding strand, the complement: NSMCE3 is on the minus strand). VCF-style: chr15-29269494-G-C. GRCh37 (hg19) VCF-style: chr15-29561698-G-C.
Other names: c.-12-17016C>G (NM_001387217.1, NM_001387215.1, NM_001387216.1); c.277-17016C>G (NM_001387214.1, NM_015307.2); short protein forms A71G.
Identifiers: ClinVar variation 3692839 (VCV003692839.2).

ClinVar aggregate classification (germline): Uncertain significance (1 of 4 stars; one submission).

gnomAD v4.1: 1 of 1,608,096 alleles (0.000062%); highest among the groups gnomAD compares: East Asian, 0.0022%; no homozygotes.

Submission:

Labcorp Genetics (formerly Invitae), Labcorp
Classification: Uncertain significance. Last evaluated: 2024-11-08. Review status: criteria provided, single submitter. Criteria: Invitae Variant Classification Sherloc (09022015). Collection method: clinical testing. Allele origin: germline.
Comment: This sequence change replaces alanine, which is neutral and non-polar, with glycine, which is neutral and non-polar, at codon 71 of the NSMCE3 protein (p.Ala71Gly). This variant is present in population databases (no rsID available, gnomAD 0.06%). This variant has not been reported in the literature in individuals affected with NSMCE3-related conditions. Invitae Evidence Modeling of protein sequence and biophysical properties (such as structural, functional, and spatial information, amino acid conservation, physicochemical variation, residue mobility, and thermodynamic stability) indicates that this missense variant is not expected to disrupt NSMCE3 protein function with a negative predictive value of 80%. In summary, the available evidence is currently insufficient to determine the role of this variant in disease. Therefore, it has been classified as a Variant of Uncertain Significance.